The following is an entry in ClinVar:

ClinVar aggregate classification (germline): Pathogenic (1 of 4 stars; one submission).

Conditions:
Primary ciliary dyskinesia. Also called: Ciliary dyskinesia. Identifiers: Orphanet 244, MedGen C0008780, MONDO:0016575, HP:0012265.

Submission:

Labcorp Genetics (formerly Invitae), Labcorp
Classification: Pathogenic for Primary ciliary dyskinesia. Last evaluated: 2024-02-29. Review status: criteria provided, single submitter. Criteria: Invitae Variant Classification Sherloc (09022015). Collection method: clinical testing. Allele origin: germline.
Comment: This sequence change creates a premature translational stop signal (p.Glu3509Valfs*6) in the DNAH5 gene. It is expected to result in an absent or disrupted protein product. Loss-of-function variants in DNAH5 are known to be pathogenic (PMID: 11788826, 16627867). This variant is not present in population databases (gnomAD no frequency). This variant has not been reported in the literature in individuals affected with DNAH5-related conditions. For these reasons, this variant has been classified as Pathogenic.

Literature cited by the submitters: PubMed 11788826; PubMed 16627867.

NM_001369.3(DNAH5):c.10526_10527del (p.Glu3509fs)

Gene: DNAH5 (dynein axonemal heavy chain 5; minus strand). Cytogenetic location: 5p15.2.
Variant type: Microsatellite.
Coding change: c.10526_10527del on transcript NM_001369.3 (MANE Select); coding-DNA positions 10526 to 10527, 2 bases deleted (AG; older notation c.10526_10527delAG).
Protein change: p.Glu3509fs; shifts the reading frame from glutamic acid 3509.
Molecular consequence: frameshift variant.
Genome position (GRCh38, 1-based): chr5:13,754,231-13,754,232, CT deleted on the plus strand (AG on the coding strand, the reverse complement: DNAH5 is on the minus strand); deleting any 2 consecutive bases within chr5:13,754,231-13,754,234 gives the same sequence; the c. name uses the placement nearest the transcript's 3' end. VCF-style (leftmost placement, unchanged base first): chr5-13754230-ACT-A. GRCh37 (hg19) VCF-style: chr5-13754339-ACT-A.
Other names: short protein forms E3509fs.
Identifiers: ClinVar variation 3643222 (VCV003643222.2).